The following is an entry in ClinVar:

ClinVar aggregate classification (germline): Likely benign (1 of 4 stars; one submission).

Allele frequency attached by ClinVar (database versions not stated): gnomAD exomes below 0.00001; TOPMed below 0.00001.
gnomAD v4.1: 2 of 1,561,334 alleles (0.00013%); highest among the groups gnomAD compares: East Asian, 0.0049%; no homozygotes.

Submission:

CeGaT Center for Human Genetics Tuebingen
Classification: Likely benign. Last evaluated: 2024-06-01. Review status: criteria provided, single submitter. Criteria: CeGaT Center For Human Genetics Tuebingen Variant Classification Criteria Version 2. Collection method: clinical testing. Allele origin: germline. Affected: yes. Observed: 1 variant allele.
Comment: RELB: BP4, BP7

NM_006509.4(RELB):c.282C>T (p.Thr94=)

Gene: RELB (RELB proto-oncogene, NF-kB subunit; plus strand). Cytogenetic location: 19q13.32.
Variant type: single nucleotide variant.
Coding change: c.282C>T on transcript NM_006509.4 (MANE Select); coding-DNA position 282, C replaced by T.
Protein change: p.Thr94=; no amino-acid change (threonine 94 retained).
Molecular consequence: synonymous variant.
Genome position (GRCh38, 1-based): chr19:45,012,054, C>T. VCF-style: chr19-45012054-C-T. GRCh37 (hg19) VCF-style: chr19-45515312-C-T.
Other names: c.273C>T, p.Thr91= (NM_001411087.1).
Identifiers: ClinVar variation 3251098 (VCV003251098.18), dbSNP rs1455204009.